The following is an entry in ClinVar:

ClinVar aggregate classification (germline): Uncertain significance (1 of 4 stars; one submission).

Conditions:
Multiple endocrine neoplasia, type 1 (MEN1). Also called: MEN I; WERMER SYNDROME; Endocrine adenomatosis multiple; MEN 1; MEA I. Identifiers: Orphanet 652, MedGen C0025267, MeSH D018761, MONDO:0007540, OMIM 131100.

Submission:

Labcorp Genetics (formerly Invitae), Labcorp
Classification: Uncertain significance for Multiple endocrine neoplasia, type 1. Last evaluated: 2025-12-09. Review status: criteria provided, single submitter. Criteria: Invitae Variant Classification Sherloc (09022015). Collection method: clinical testing. Allele origin: germline.
Comment: This sequence change replaces phenylalanine, which is neutral and non-polar, with leucine, which is neutral and non-polar, at codon 43 of the MEN1 protein (p.Phe43Leu). This variant is not present in population databases (gnomAD no frequency). This variant has not been reported in the literature in individuals affected with MEN1-related conditions. Invitae Evidence Modeling of protein sequence and biophysical properties (such as structural, functional, and spatial information, amino acid conservation, physicochemical variation, residue mobility, and thermodynamic stability) has been performed for this missense variant. However, the output from this modeling did not meet the statistical confidence thresholds required to predict the impact of this variant on MEN1 protein function. In summary, the available evidence is currently insufficient to determine the role of this variant in disease. Therefore, it has been classified as a Variant of Uncertain Significance.

NM_001370259.2(MEN1):c.127T>C (p.Phe43Leu)

Gene: MEN1 (menin 1; minus strand). Cytogenetic location: 11q13.1.
Variant type: single nucleotide variant.
Coding change: c.127T>C on transcript NM_001370259.2 (MANE Select); coding-DNA position 127, T replaced by C.
Protein change: p.Phe43Leu; replaces phenylalanine 43 with leucine.
Molecular consequence: missense variant. On other transcripts: non-coding transcript variant (4).
Genome position (GRCh38, 1-based): chr11:64,809,983, A>G on the plus strand (T>C on the coding strand, the complement: MEN1 is on the minus strand). VCF-style: chr11-64809983-A-G. GRCh37 (hg19) VCF-style: chr11-64577455-A-G.
Other names: c.127T>C, p.Phe43Leu (NM_000244.4, NM_001370251.2, NM_001370260.2 and 20 more transcripts); short protein forms F43L.
Identifiers: ClinVar variation 4707209 (VCV004707209.1).